The following is an entry in ClinVar:

ClinVar aggregate classification (germline): Pathogenic (1 of 4 stars; one submission).

Conditions:
Autosomal recessive osteopetrosis 1. Also called: ALBERS-SCHONBERG DISEASE, AUTOSOMAL RECESSIVE; TCIRG1-Related Autosomal Recessive Osteopetrosis; TCIRG1-Related Osteopetrosis. Identifiers: Orphanet 667, MedGen C1850127, MONDO:0009815, OMIM 259700.

Submission:

Myriad Genetics, Inc.
Classification: Pathogenic for Autosomal recessive osteopetrosis 1. Last evaluated: 2025-05-20. Review status: criteria provided, single submitter. Criteria: Myriad Autosomal Dominant, Autosomal Recessive and X-Linked Classification Criteria (2023). Collection method: clinical testing. Allele origin: unknown.
Comment: NM_006019.3(TCIRG1):c.999delGinsCA(Q333Hfs*157) is expected to be pathogenic in the context of autosomal recessive osteopetrosis type 1. This variant is predicted to lead to an abnormal or absent protein product due to the creation of a premature termination codon in TCIRG1, a gene where loss-of-function variants are known to be pathogenic. Please note: this variant was assessed in the context of healthy population screening.

NM_006019.4(TCIRG1):c.999delinsCA (p.Gln333fs)

Gene: TCIRG1 (T cell immune regulator 1, ATPase H+ transporting V0 subunit a3; plus strand). Cytogenetic location: 11q13.2.
Variant type: Indel.
Coding change: c.999delinsCA on transcript NM_006019.4 (MANE Select); coding-DNA position 999, G replaced by CA.
Protein change: p.Gln333fs; shifts the reading frame from glutamine 333.
Molecular consequence: frameshift variant. On other transcripts: intron variant (4).
Genome position (GRCh38, 1-based): chr11:68,044,323, G replaced by CA. VCF-style: chr11-68044323-G-CA. GRCh37 (hg19) VCF-style: chr11-67811790-G-CA.
Other names: c.105delinsCA, p.Gln35fs (NM_001351059.2); c.999delinsCA, p.Gln333fs (NM_001440552.1, NM_001440553.1, NM_001440554.1 and 2 more transcripts); c.957delinsCA, p.Gln319fs (NM_001440555.1, NM_001440556.1, NM_001440563.1); c.786delinsCA, p.Gln262fs (NM_001440561.1, NM_001440562.1, NM_001440566.1 and 1 more transcripts); c.744delinsCA, p.Gln248fs (NM_001440564.1); c.699delinsCA, p.Gln233fs (NM_001440565.1); c.351delinsCA, p.Gln117fs (NM_006053.4); c.807+416delinsCA (NM_001440559.1, NM_001440560.1); and 2 more; short protein forms Q117fs, Q233fs, Q248fs, Q262fs, Q319fs, Q333fs, Q35fs.
Identifiers: ClinVar variation 5014489 (VCV005014489.1).